The following is an entry in ClinVar:

NM_000258.3(MYL3):c.130-10C>T

Gene: MYL3 (myosin light chain 3; minus strand). Cytogenetic location: 3p21.31.
Variant type: single nucleotide variant.
Coding change: c.130-10C>T on transcript NM_000258.3 (MANE Select); 10 bases into the intron before coding-DNA position 130, C replaced by T.
Molecular consequence: intron variant.
Genome position (GRCh38, 1-based): chr3:46,860,997, G>A on the plus strand (C>T on the coding strand, the complement: MYL3 is on the minus strand). VCF-style: chr3-46860997-G-A. GRCh37 (hg19) VCF-style: chr3-46902487-G-A.
Identifiers: ClinVar variation 415513 (VCV000415513.11), dbSNP rs374988162, ClinGen allele CA042331.
Genomic context (GRCh38, chr3:46,860,997, plus strand): 5'-CTGGGTTCAAGACCCCTGCTCACCTTCAATCTGCTCAGGTGTGAACTCAATCTGAAAAGA[G>A]ACCCCAAAGACTCAGATGCCCGGCTTAAAAGGTGGGGCCACACCTCCTCCTGGGCACTCG-3'

ClinVar aggregate classification (germline): Likely benign. Review status: criteria provided, multiple submitters, no conflicts (2 of 4 stars). 3 submissions from 3 submitters: Likely benign (3). Last evaluated 2025-04-24.

Conditions:
Cardiomyopathy (CMYO). Also called: Cardiomyopathies. Identifiers: Orphanet 167848, MedGen C0878544, MONDO:0004994, HP:0001638. Inheritance: Various modes of inheritance.
Hypertrophic cardiomyopathy. Also called: HYPERTROPHIC MYOCARDIOPATHY. Identifiers: Orphanet 217569, MedGen C0007194, MeSH D002312, MONDO:0005045, HP:0001639.

Allele frequency attached by ClinVar (database versions not stated): gnomAD exomes below 0.00001; ExAC 0.00001; TOPMed 0.00002; gnomAD 0.00003; ESP Exome Variant Server 0.00008; 1000 Genomes Project 0.00020; 1000 Genomes Project 30x 0.00031.
gnomAD v4.1: 6 of 1,613,958 alleles (0.00037%); highest among the groups gnomAD compares: African/African-American, 0.0067%; no homozygotes.

Submissions (3):

Labcorp Genetics (formerly Invitae), Labcorp
Classification: Likely benign for Hypertrophic cardiomyopathy. Last evaluated: 2025-04-24. Review status: criteria provided, single submitter. Criteria: Invitae Variant Classification Sherloc (09022015). Collection method: clinical testing. Allele origin: germline.

Color Diagnostics, LLC DBA Color Health
Classification: Likely benign for Cardiomyopathy. Last evaluated: 2022-05-26. Review status: criteria provided, single submitter. Criteria: ACMG Guidelines, 2015. Collection method: clinical testing. Allele origin: germline.

GeneDx
Classification: Likely benign. Last evaluated: 2017-10-18. Review status: criteria provided, single submitter. Criteria: GeneDx Variant Classification (06012015). Collection method: clinical testing. Allele origin: germline. Affected: yes.
Comment: This variant is considered likely benign or benign based on one or more of the following criteria: it is a conservative change, it occurs at a poorly conserved position in the protein, it is predicted to be benign by multiple in silico algorithms, and/or has population frequency not consistent with disease.